The following is an entry in ClinVar:

ClinVar aggregate classification (germline): Benign. Review status: criteria provided, multiple submitters, no conflicts (2 of 4 stars). 3 submissions from 3 submitters: Benign (3). Last evaluated 2021-05-15.

Conditions:
Coxopodopatellar syndrome. Also called: ISCHIOPATELLAR DYSPLASIA; SCOTT-TAOR SYNDROME; Small patella syndrome; ISCHIOCOXOPODOPATELLAR SYNDROME; PATELLA APLASIA, COXA VARA, AND TARSAL SYNOSTOSIS; Congenital coxa vara, patella aplasia and tarsal synostosis. Identifiers: Orphanet 1509, MedGen C1840061, MONDO:0007841, OMIM 147891.

Allele frequency attached by ClinVar (database versions not stated): TOPMed 0.09619; 1000 Genomes Project 0.09864; gnomAD 0.17548 and 0.17693; gnomAD exomes 0.18926.
gnomAD v4.1: 89,146 of 477,682 alleles (19%); highest among the groups gnomAD compares: Admixed American, 26%; 3,447 homozygotes.

Submissions (3):

GeneDx
Classification: Benign. Last evaluated: 2021-05-15. Review status: criteria provided, single submitter. Criteria: GeneDx Variant Classification Process June 2021. Collection method: clinical testing. Allele origin: germline. Affected: yes.

Illumina Laboratory Services, Illumina
Classification: Benign for Coxopodopatellar syndrome. Last evaluated: 2018-01-12. Review status: criteria provided, single submitter. Criteria: ICSL Variant Classification Criteria 13 December 2019. Collection method: clinical testing. Allele origin: germline.
Comment: This variant was observed in the ICSL laboratory as part of a predisposition screen in an ostensibly healthy population. It had not been previously curated by ICSL or reported in the Human Gene Mutation Database (HGMD: prior to June 1st, 2018), and was therefore a candidate for classification through an automated scoring system. Utilizing variant allele frequency, disease prevalence and penetrance estimates, and inheritance mode, an automated score was calculated to assess if this variant is too frequent to cause the disease. Based on the score and internal cut-off values, a variant classified as benign is not then subjected to further curation. The score for this variant resulted in a classification of benign for this disease.

Breakthrough Genomics
Classification: Benign. Review status: criteria provided, single submitter. Criteria: ACMG Guidelines, 2015. Collection method: not provided. Allele origin: germline. Inheritance: Autosomal recessive inheritance. Affected: yes.

NM_001321120.2(TBX4):c.*138A>G

Gene: TBX4 (T-box transcription factor 4; plus strand). Cytogenetic location: 17q23.2.
Variant type: single nucleotide variant.
Coding change: c.*138A>G on transcript NM_001321120.2 (MANE Select); 138 bases downstream of the stop codon, A replaced by G.
Molecular consequence: 3 prime UTR variant.
Genome position (GRCh38, 1-based): chr17:61,483,654, A>G. VCF-style: chr17-61483654-A-G. GRCh37 (hg19) VCF-style: chr17-59561015-A-G.
Other names: c.*138A>G (LRG_1206t1, NM_018488.3).
Identifiers: ClinVar variation 324277 (VCV000324277.7), dbSNP rs77924694, ClinGen allele CA10640106.
Genomic context (GRCh38, chr17:61,483,654, plus strand): 5'-AAACACAGGAAGGTATTCCAGTGTGTGTGTGTGTGTGTGTGTGTGTGTGTGTGTGTGTGT[A>G]TACACGAGCATGTATGTATTTGGAGAGCATCCATCTTCTGACATACAACTGAGGTCATGA-3'